The following is an entry in ClinVar:

NM_024312.5(GNPTAB):c.1501dup (p.Ser501fs)

Gene: GNPTAB (N-acetylglucosamine-1-phosphate transferase subunits alpha and beta; minus strand). Cytogenetic location: 12q23.2.
Variant type: Duplication.
Coding change: c.1501dup on transcript NM_024312.5 (MANE Select); coding-DNA position 1501, one base duplicated (A; older notation c.1501dupA).
Protein change: p.Ser501fs; shifts the reading frame from serine 501.
Molecular consequence: frameshift variant.
Genome position (GRCh38, 1-based): chr12:101,766,202, T duplicated on the plus strand (A on the coding strand, the reverse complement: GNPTAB is on the minus strand). VCF-style (leftmost placement, unchanged base first): chr12-101766201-C-CT. GRCh37 (hg19) VCF-style: chr12-102159979-C-CT.
Other names: short protein forms S501fs.
Identifiers: ClinVar variation 3754701 (VCV003754701.2).
Genomic context (GRCh38, chr12:101,766,201, plus strand): 5'-TGGTCACAGAACTTATCAGCGAGCCAGGAATTCGCACATCCCTGATTACAGTAAGAGACA[C>CT]TGTTTATTCCTCCACCAAACTGCCAGGGCTGTCCAACTCCAATACTCCCAGTACCTCCAC-3'

ClinVar aggregate classification (germline): Pathogenic (1 of 4 stars; one submission).

Conditions:
Mucolipidosis type II. Also called: Mucolipidosis II Alpha/Beta; ML II ALPHA/BETA; Mucolipidosis 2; ML 2; Inclusion cell disease; Leroy Disease. Identifiers: Orphanet 576, MedGen C2673377, MONDO:0009650, OMIM 252500.
Pseudo-Hurler polydystrophy. Also called: ML III; ML III ALPHA/BETA; Type III Mucolipidosis; ML IIIA; Mucolipidosis III Alpha/Beta; MUCOLIPIDOSIS IIIA. Identifiers: Orphanet 423461, Orphanet 577, MedGen C0033788, MONDO:0018931, OMIM 252600.

Submission:

Labcorp Genetics (formerly Invitae), Labcorp
Classification: Pathogenic for Pseudo-Hurler polydystrophy; Mucolipidosis type II. Last evaluated: 2024-02-26. Review status: criteria provided, single submitter. Criteria: Invitae Variant Classification Sherloc (09022015). Collection method: clinical testing. Allele origin: germline.
Comment: This sequence change creates a premature translational stop signal (p.Ser501Lysfs*6) in the GNPTAB gene. It is expected to result in an absent or disrupted protein product. Loss-of-function variants in GNPTAB are known to be pathogenic (PMID: 19617216, 25107912). This variant is not present in population databases (gnomAD no frequency). This variant has not been reported in the literature in individuals affected with GNPTAB-related conditions. Algorithms developed to predict the effect of sequence changes on RNA splicing suggest that this variant may disrupt the consensus splice site. For these reasons, this variant has been classified as Pathogenic.

Literature cited by the submitters: PubMed 19617216; PubMed 25107912.